The following is an entry in ClinVar:

NM_006904.7(PRKDC):c.11515T>C (p.Tyr3839His)

Gene: PRKDC (protein kinase, DNA-activated, catalytic subunit; minus strand). Cytogenetic location: 8q11.21.
Variant type: single nucleotide variant.
Coding change: c.11515T>C on transcript NM_006904.7 (MANE Select); coding-DNA position 11515, T replaced by C.
Protein change: p.Tyr3839His; replaces tyrosine 3839 with histidine.
Molecular consequence: missense variant.
Genome position (GRCh38, 1-based): chr8:47,779,068, A>G on the plus strand (T>C on the coding strand, the complement: PRKDC is on the minus strand). VCF-style: chr8-47779068-A-G. GRCh37 (hg19) VCF-style: chr8-48691629-A-G.
Other names: c.11422T>C, p.Tyr3808His (NM_001081640.2); short protein forms Y3839H, Y3808H.
Identifiers: ClinVar variation 2076544 (VCV002076544.2), dbSNP rs757352090, ClinGen allele CA4739062.

ClinVar aggregate classification (germline): Uncertain significance (1 of 4 stars; one submission).

Conditions:
Severe combined immunodeficiency due to DNA-PKcs deficiency. Also called: IMMUNODEFICIENCY 26 WITH NEUROLOGIC ABNORMALITIES; Immunodeficiency 26 with or without neurologic abnormalities. Identifiers: Orphanet 317425, MedGen C4014833, MONDO:0014423, OMIM 615966.

Allele frequency attached by ClinVar (database versions not stated): gnomAD 0.00001; gnomAD exomes 0.00001; TOPMed 0.00001; ExAC 0.00002.
gnomAD v4.1: 7 of 1,599,786 alleles (0.00044%); highest among the groups gnomAD compares: Admixed American, 0.012%; no homozygotes.

Submission:

Labcorp Genetics (formerly Invitae), Labcorp
Classification: Uncertain significance for Severe combined immunodeficiency due to DNA-PKcs deficiency. Last evaluated: 2022-04-26. Review status: criteria provided, single submitter. Criteria: Invitae Variant Classification Sherloc (09022015). Collection method: clinical testing. Allele origin: germline.
Comment: This sequence change replaces tyrosine, which is neutral and polar, with histidine, which is basic and polar, at codon 3839 of the PRKDC protein (p.Tyr3839His). This variant is present in population databases (rs757352090, gnomAD 0.01%). This variant has not been reported in the literature in individuals affected with PRKDC-related conditions. Experimental studies and prediction algorithms are not available or were not evaluated, and the effect of this variant on mRNA splicing is currently unknown. In summary, the available evidence is currently insufficient to determine the role of this variant in disease. Therefore, it has been classified as a Variant of Uncertain Significance.